The following is an entry in ClinVar:

ClinVar aggregate classification (germline): Uncertain significance. Review status: criteria provided, multiple submitters, no conflicts (2 of 4 stars). 2 submissions from 2 submitters: Uncertain significance (2). Last evaluated 2025-11-06.

Conditions:
Inborn genetic diseases. Identifiers: MedGen C0950123, MeSH D030342.

Allele frequency attached by ClinVar (database versions not stated): gnomAD 0.00001; ESP Exome Variant Server 0.00008.
gnomAD v4.1: 6 of 1,605,276 alleles (0.00037%); highest among the groups gnomAD compares: Non-Finnish European, 0.00051%; no homozygotes.

Submissions (2):

Ambry Genetics
Classification: Uncertain significance for Inborn genetic diseases. Last evaluated: 2025-11-06. Review status: criteria provided, single submitter. Criteria: Ambry Variant Classification Scheme 2023. Collection method: clinical testing. Allele origin: germline.

GeneDx
Classification: Uncertain significance. Last evaluated: 2023-03-29. Review status: criteria provided, single submitter. Criteria: GeneDx Variant Classification Process June 2021. Collection method: clinical testing. Allele origin: germline. Affected: yes.
Comment: Has not been previously published as pathogenic or benign to our knowledge; Not observed at significant frequency in large population cohorts (gnomAD); In silico analysis supports that this missense variant does not alter protein structure/function

NM_000501.4(ELN):c.1471G>A (p.Val491Met)

Genes: ELN (elastin; plus strand), ELN-AS1 (ELN antisense RNA 1; minus strand). Cytogenetic location: 7q11.23.
Variant type: single nucleotide variant.
Coding change: c.1471G>A on transcript NM_000501.4 (MANE Select); coding-DNA position 1471, G replaced by A.
Protein change: p.Val491Met; replaces valine 491 with methionine.
Molecular consequence: missense variant. On other transcripts: non-coding transcript variant (1).
Genome position (GRCh38, 1-based): chr7:74,059,942, G>A. VCF-style: chr7-74059942-G-A. GRCh37 (hg19) VCF-style: chr7-73474272-G-A.
Other names: c.1384G>A, p.Val462Met (NM_001081752.3); c.1429G>A, p.Val477Met (NM_001081753.3); c.1486G>A, p.Val496Met (NM_001081754.3); c.1414G>A, p.Val472Met (NM_001081755.3); c.1471G>A, p.Val491Met (NM_001278912.2); c.1228G>A, p.Val410Met (NM_001278913.2); c.1399G>A, p.Val467Met (NM_001278914.2); c.1489G>A, p.Val497Met (NM_001278915.2); and 4 more; short protein forms V402M, V410M, V458M, V462M, V467M, V472M, V477M, V481M.
Identifiers: ClinVar variation 2581829 (VCV002581829.2), dbSNP rs369387691, ClinGen allele CA4293073.